The following is an entry in ClinVar:

NM_001999.4(FBN2):c.243C>G (p.Asp81Glu)

Gene: FBN2 (fibrillin 2; minus strand). Cytogenetic location: 5q23.3.
Variant type: single nucleotide variant.
Coding change: c.243C>G on transcript NM_001999.4 (MANE Select); coding-DNA position 243, C replaced by G.
Protein change: p.Asp81Glu; replaces aspartic acid 81 with glutamic acid.
Molecular consequence: missense variant.
Genome position (GRCh38, 1-based): chr5:128,537,361, G>C on the plus strand (C>G on the coding strand, the complement: FBN2 is on the minus strand). VCF-style: chr5-128537361-G-C. GRCh37 (hg19) VCF-style: chr5-127873054-G-C.
Other names: short protein forms D81E.
Identifiers: ClinVar variation 4766117 (VCV004766117.1).

ClinVar aggregate classification (germline): Uncertain significance (1 of 4 stars; one submission).

Conditions:
Congenital contractural arachnodactyly (CCA). Also called: Beals-Hecht syndrome; BEALS SYNDROME; Arthrogryposis, distal, type 9. Identifiers: Orphanet 115, MedGen C0220668, MONDO:0007363, OMIM 121050.

gnomAD v4.1: 5 of 1,610,666 alleles (0.00031%); highest among the groups gnomAD compares: Non-Finnish European, 0.00042%; no homozygotes.

Submission:

Labcorp Genetics (formerly Invitae), Labcorp
Classification: Uncertain significance for Congenital contractural arachnodactyly. Last evaluated: 2025-12-13. Review status: criteria provided, single submitter. Criteria: Invitae Variant Classification Sherloc (09022015). Collection method: clinical testing. Allele origin: germline.
Comment: This sequence change replaces aspartic acid, which is acidic and polar, with glutamic acid, which is acidic and polar, at codon 81 of the FBN2 protein (p.Asp81Glu). This variant is not present in population databases (gnomAD no frequency). This variant has not been reported in the literature in individuals affected with FBN2-related conditions. An algorithm developed to predict the effect of missense changes on protein structure and function outputs the following: PolyPhen-2: "Not Available". The glutamic acid amino acid residue is found in multiple mammalian species, which suggests that this missense change does not adversely affect protein function. In summary, the available evidence is currently insufficient to determine the role of this variant in disease. Therefore, it has been classified as a Variant of Uncertain Significance.